The following is an entry in ClinVar:

NM_198129.4(LAMA3):c.9400G>C (p.Asp3134His)

Gene: LAMA3 (laminin subunit alpha 3; plus strand). Cytogenetic location: 18q11.2.
Variant type: single nucleotide variant.
Coding change: c.9400G>C on transcript NM_198129.4 (MANE Select); coding-DNA position 9400, G replaced by C.
Protein change: p.Asp3134His; replaces aspartic acid 3134 with histidine.
Molecular consequence: missense variant.
Genome position (GRCh38, 1-based): chr18:23,949,813, G>C. VCF-style: chr18-23949813-G-C. GRCh37 (hg19) VCF-style: chr18-21529777-G-C.
Other names: c.4573G>C (NM_000227.4); c.4573G>C, p.Asp1525His (NM_000227.6); c.9232G>C, p.Asp3078His (NM_001127717.4); c.4405G>C, p.Asp1469His (NM_001127718.4); short protein forms D1469H, D3078H, D1525H, D3134H.
Identifiers: ClinVar variation 891174 (VCV000891174.11), dbSNP rs139393524, ClinGen allele CA8917182.
Genomic context (GRCh38, chr18:23,949,813, plus strand): 5'-GCTTGGTTGCAGAGCCTCCCCACAAACAGCTTTGTGGGATGCCTGAAGAACTTTCAGCTG[G>C]ATTCAAAACCCTTGTATACCCCTTCTTCAAGCTTCGGGGTGTCTTCCTGCTTGGGTGGTC-3'
Protein context (NP_937762.2, residues 3124-3144): FVGCLKNFQL[Asp3134His]SKPLYTPSSS

ClinVar aggregate classification (germline): Conflicting classifications of pathogenicity. Review status: criteria provided, conflicting classifications (1 of 4 stars). 5 submissions from 4 submitters: Uncertain significance (3); Likely benign (2). Last evaluated 2026-06-01.

Conditions:
LAMA3-related disorder. Also called: LAMA3-related disorders; LAMA3-related condition.
Junctional epidermolysis bullosa gravis of Herlitz. Also called: JEB-HERLITZ TYPE; Epidermolysis Bullosa Letalis; EPIDERMOLYSIS BULLOSA, JUNCTIONAL 1B, SEVERE; Herlitz-type junctional epidermolysis bullosa; EPIDERMOLYSIS BULLOSA JUNCTIONALIS, HERLITZ TYPE; EPIDERMOLYSIS BULLOSA, JUNCTIONAL, HERLITZ-PEARSON TYPE. Identifiers: Orphanet 79404, MedGen C0079683, MONDO:0009182, OMIM 226700.
Laryngo-onycho-cutaneous syndrome (JEB2C). Also called: LOGIC SYNDROME; EPIDERMOLYSIS BULLOSA, JUNCTIONAL 2C, LARYNGOONYCHOCUTANEOUS; SHABBIR SYNDROME. Identifiers: Orphanet 2407, MedGen C1328355, MONDO:0009513, OMIM 245660.

Allele frequency attached by ClinVar (database versions not stated): gnomAD 0.00059 and 0.00060; 1000 Genomes Project 0.00060; 1000 Genomes Project 30x 0.00062; ESP Exome Variant Server 0.00062; TOPMed 0.00064; gnomAD exomes 0.00067 and 0.00068; ExAC 0.00074.
gnomAD v4.1: 1,080 of 1,614,048 alleles (0.067%); highest among the groups gnomAD compares: Middle Eastern, 0.36%; 5 homozygotes.

Submissions (5):

CeGaT Center for Human Genetics Tuebingen
Classification: Likely benign. Last evaluated: 2026-06-01. Review status: criteria provided, single submitter. Criteria: CeGaT Center For Human Genetics Tuebingen Variant Classification Criteria Version 2. Collection method: clinical testing. Allele origin: germline. Affected: yes. Observed: 1 variant allele.
Comment: LAMA3: BP4, BS2

Labcorp Genetics (formerly Invitae), Labcorp
Classification: Likely benign. Last evaluated: 2026-01-26. Review status: criteria provided, single submitter. Criteria: Invitae Variant Classification Sherloc (09022015). Collection method: clinical testing. Allele origin: germline.

PreventionGenetics, part of Exact Sciences
Classification: Uncertain significance for LAMA3-related condition. Last evaluated: 2025-07-28. Review status: criteria provided, single submitter. Criteria: ACMG Guidelines, 2015. Collection method: clinical testing. Allele origin: germline.
Comment: The LAMA3 c.4573G>C variant is predicted to result in the amino acid substitution p.Asp1525His. This variant has been reported using alternate nomenclature (NM_198129:c.9641G>A; p.D3134H) in an individual with junctional epidermolysis bullosa (Riahi et al. 2021. PubMed ID: 34837689). A digenic mode of inheritance was proposed, which is not an established mechanism of disease. This variant was also reported as paternally-inherited and along with two other variants in MMP20 in an individual with enamel malformations (Family 4 in Wang et al. 2022. PubMed ID: 36326426). This variant is reported in 0.098% of alleles in individuals of European (Non-Finnish) descent in gnomAD, including one homozygote, which is likely too frequent to be a primary cause of disease. Although we suspect that this variant may be benign, at this time, the clinical significance of this variant is uncertain due to the absence of conclusive functional and genetic evidence.

Illumina Laboratory Services, Illumina
Classification: Uncertain significance for Junctional epidermolysis bullosa gravis of Herlitz. Last evaluated: 2017-04-28. Review status: criteria provided, single submitter. Criteria: ICSL Variant Classification Criteria 13 December 2019. Collection method: clinical testing. Allele origin: germline.

Illumina Laboratory Services, Illumina
Classification: Uncertain significance for Laryngo-onycho-cutaneous syndrome. Last evaluated: 2017-04-28. Review status: criteria provided, single submitter. Criteria: ICSL Variant Classification Criteria 13 December 2019. Collection method: clinical testing. Allele origin: germline.